The following is an entry in ClinVar:

ClinVar aggregate classification (germline): Pathogenic (1 of 4 stars; one submission).

Conditions:
Charcot-Marie-Tooth disease, type I (CMT1). Also called: Charcot-Marie-Tooth, Type 1; Charcot-Marie-Tooth disease type 1. Identifiers: Orphanet 65753, MedGen C0751036, MONDO:0019011.

Submission:

Labcorp Genetics (formerly Invitae), Labcorp
Classification: Pathogenic for Charcot-Marie-Tooth disease, type I. Last evaluated: 2018-08-21. Review status: criteria provided, single submitter. Criteria: Invitae Variant Classification Sherloc (09022015). Collection method: clinical testing. Allele origin: germline.
Comment: This assay only includes exons 2-5 of PMP22, which covers the entire coding sequence. Therefore, it is assumed that the entire gene is duplicated. Duplications of the region on chromosome 17p11.2 which contain the PMP22 gene cause Charcot-Marie-Tooth type 1A (CMT1A) (PMID: 1677316, 1822787) and have been shown to lead to increased gene dosage as the functional defect in individuals with CMT1A (PMID: 1303230). This variant is a gross duplication of the genomic region encompassing exons 2-5 of the PMP22 gene. For these reasons, this variant has been classified as Pathogenic.

Literature cited by the submitters: PubMed 1677316; PubMed 1822787; PubMed 1303230.

NC_000017.10:g.(?_15134214)_(15162530_?)dup

Gene: PMP22 (peripheral myelin protein 22; minus strand). Cytogenetic location: 17p12.
Variant type: Duplication.
Identifiers: ClinVar variation 462775 (VCV000462775.4).